The following is an entry in ClinVar:

ClinVar aggregate classification (germline): Conflicting classifications of pathogenicity. Review status: criteria provided, conflicting classifications (1 of 4 stars). 7 submissions from 6 submitters: Likely pathogenic (1); Uncertain significance (3); Benign (1); Likely benign (2). Last evaluated 2026-02-09.

Conditions:
COL2A1-related disorder. Also called: COL2A1-related condition; COL2A1-related disorders.
Type 2 collagenopathy. Identifiers: Orphanet 93421, MedGen C2931073, MONDO:0022800.
Stickler syndrome type 1 (STL1). Also called: STICKLER SYNDROME, MEMBRANOUS VITREOUS TYPE; STICKLER SYNDROME, VITREOUS TYPE 1; ARTHROOPHTHALMOPATHY, HEREDITARY PROGRESSIVE; COL2A1-Related Stickler Syndrome. Identifiers: Orphanet 828, Orphanet 90653, MedGen C2020284, MONDO:0007160, OMIM 108300.

Allele frequency attached by ClinVar (database versions not stated): TOPMed 0.00001; gnomAD exomes 0.00003; ExAC 0.00007.
gnomAD v4.1: 57 of 1,613,064 alleles (0.0035%); highest among the groups gnomAD compares: Non-Finnish European, 0.0042%; no homozygotes.

Submissions (7):

GeneDx
Classification: Uncertain significance. Last evaluated: 2026-02-09. Review status: criteria provided, single submitter. Criteria: GeneDx Variant Classification Process June 2021. Collection method: clinical testing. Allele origin: germline.
Comment: Identified in a family with Stickler syndrome type I in published literature (PMID: 38073514); Occurs in the triple helical domain at the Y position in the canonical Gly-X-Y repeat; although this variant may have an effect on normal protein folding and function, missense substitution at the Y position is not a common mechanism of disease (HGMD); A published functional study showed that p.(V1169I) had altered cellular distribution but no changes in ER stress response and autophagy (PMID: 38073514); In silico analysis suggests that this missense variant does not alter protein structure/function; This variant is associated with the following publications: (PMID: 38073514)

Women's Health and Genetics/Laboratory Corporation of America, LabCorp
Classification: Likely benign. Last evaluated: 2025-12-09. Review status: criteria provided, single submitter. Criteria: LabCorp Variant Classification Summary - May 2015. Collection method: clinical testing. Allele origin: germline.
Comment: Variant summary: COL2A1 c.3505G>A (p.Val1169Ile) results in a conservative amino acid change in the encoded protein sequence. Algorithms developed to predict the effect of missense changes on protein structure and function are either unavailable or do not agree on the potential impact of this missense change. The variant allele was found at a frequency of 3.5e-05 in 1613064 control chromosomes. The observed variant frequency exceeds the estimated maximal expected allele frequency for disease-causing variants in COL2A1. c.3505G>A has been observed in individual(s) affected with high myopia (Tian_2024). These report(s) do not provide unequivocal conclusions about association of the variant with Achondrogenesis, Type II. To our knowledge, no experimental evidence demonstrating an impact on protein function has been reported. The following publication has been ascertained in the context of this evaluation (PMID: 38073514). ClinVar contains an entry for this variant (Variation ID: 881132). Based on the evidence outlined above, the variant was classified as likely benign.

Labcorp Genetics (formerly Invitae), Labcorp
Classification: Likely benign. Last evaluated: 2025-11-20. Review status: criteria provided, single submitter. Criteria: Invitae Variant Classification Sherloc (09022015). Collection method: clinical testing. Allele origin: germline.

PreventionGenetics, part of Exact Sciences
Classification: Uncertain significance for COL2A1-related condition. Last evaluated: 2025-03-20. Review status: criteria provided, single submitter. Criteria: ACMG Guidelines, 2015. Collection method: clinical testing. Allele origin: germline.
Comment: The COL2A1 c.3505G>A variant is predicted to result in the amino acid substitution p.Val1169Ile. This variant has been reported in three related individuals with Stickler syndrome; however, this variant was also observed in three unaffected family members (Tian et al. 2024. PubMed ID: 38073514). This variant is reported in 0.0056% of alleles in individuals of Latino descent in gnomAD. An in vitro experimental study suggests this variant increases phosphorylated PERK leading to mild ER stress (Tian et al. 2024. PubMed ID: 38073514). Glycine substitutions in the triple helical region of COL2A1 are expected to be pathogenic (Barat-Houari et al. 2016. PubMed ID: 26626311). This variant does not affect a Glycine substitution in the Gly-X-Y motif. At this time, the clinical significance of this variant is uncertain due to the absence of conclusive functional and genetic evidence.

Center of Medical Genetics, Central South University
Classification: Likely pathogenic for Stickler syndrome type 1. Last evaluated: 2022-07-01. Review status: criteria provided, single submitter. Criteria: ACMG Guidelines, 2015. Collection method: research, in vitro. Allele origin: inherited, not applicable. Affected: yes. Observed: 6 variant alleles. Clinical features observed: High myopia.

Illumina Laboratory Services, Illumina
Classification: Benign for Type II Collagenopathies. Last evaluated: 2018-01-12. Review status: criteria provided, single submitter. Criteria: ICSL Variant Classification Criteria 13 December 2019. Collection method: clinical testing. Allele origin: germline.
Comment: This variant was observed in the ICSL laboratory as part of a predisposition screen in an ostensibly healthy population. It had not been previously curated by ICSL or reported in the Human Gene Mutation Database (HGMD: prior to June 1st, 2018), and was therefore a candidate for classification through an automated scoring system. Utilizing variant allele frequency, disease prevalence and penetrance estimates, and inheritance mode, an automated score was calculated to assess if this variant is too frequent to cause the disease. Based on the score and internal cut-off values, a variant classified as benign is not then subjected to further curation. The score for this variant resulted in a classification of benign for this disease.

Illumina Laboratory Services, Illumina
Classification: Uncertain significance for Stickler syndrome type 1. Last evaluated: 2018-01-12. Review status: criteria provided, single submitter. Criteria: ICSL Variant Classification Criteria 13 December 2019. Collection method: clinical testing. Allele origin: germline.

Literature cited by the submitters: PubMed 38073514 (cited by Women's Health and Genetics/Laboratory Corporation of America, LabCorp).

NM_001844.5(COL2A1):c.3505G>A (p.Val1169Ile)

Gene: COL2A1 (collagen type II alpha 1 chain; minus strand). Cytogenetic location: 12q13.11.
Variant type: single nucleotide variant.
Coding change: c.3505G>A on transcript NM_001844.5 (MANE Select); coding-DNA position 3505, G replaced by A.
Protein change: p.Val1169Ile; replaces valine 1169 with isoleucine.
Molecular consequence: missense variant.
Genome position (GRCh38, 1-based): chr12:47,976,055, C>T on the plus strand (G>A on the coding strand, the complement: COL2A1 is on the minus strand). VCF-style: chr12-47976055-C-T. GRCh37 (hg19) VCF-style: chr12-48369838-C-T.
Other names: c.3298G>A, p.Val1100Ile (NM_033150.3); short protein forms V1100I, V1169I.
Identifiers: ClinVar variation 881132 (VCV000881132.15), dbSNP rs760390497, ClinGen allele CA6534717.